The following is an entry in ClinVar:

NM_000083.3(CLCN1):c.153C>T (p.Gly51=)

Gene: CLCN1 (chloride voltage-gated channel 1; plus strand). Cytogenetic location: 7q34.
Variant type: single nucleotide variant.
Coding change: c.153C>T on transcript NM_000083.3 (MANE Select); coding-DNA position 153, C replaced by T.
Protein change: p.Gly51=; no amino-acid change (glycine 51 retained).
Molecular consequence: synonymous variant. On other transcripts: non-coding transcript variant (1).
Genome position (GRCh38, 1-based): chr7:143,316,365, C>T. VCF-style: chr7-143316365-C-T. GRCh37 (hg19) VCF-style: chr7-143013458-C-T.
Identifiers: ClinVar variation 509537 (VCV000509537.1), dbSNP rs1554433799, ClinGen allele CA458289972.

ClinVar aggregate classification (germline): Likely benign (1 of 4 stars; one submission).

Allele frequency attached by ClinVar (database versions not stated): gnomAD exomes below 0.00001.
gnomAD v4.1: 1 of 1,612,466 alleles (0.000062%); highest among the groups gnomAD compares: Non-Finnish European, 0.000085%; no homozygotes.

Submission:

GeneDx
Classification: Likely benign. Last evaluated: 2017-05-11. Review status: criteria provided, single submitter. Criteria: GeneDx Variant Classification (06012015). Collection method: clinical testing. Allele origin: germline. Affected: yes.
Comment: This variant is considered likely benign or benign based on one or more of the following criteria: it is a conservative change, it occurs at a poorly conserved position in the protein, it is predicted to be benign by multiple in silico algorithms, and/or has population frequency not consistent with disease.